The following is an entry in ClinVar:

NM_144997.7(FLCN):c.1033G>A (p.Val345Ile)

Gene: FLCN (folliculin; minus strand). Cytogenetic location: 17p11.2.
Variant type: single nucleotide variant.
Coding change: c.1033G>A on transcript NM_144997.7 (MANE Select); coding-DNA position 1033, G replaced by A.
Protein change: p.Val345Ile; replaces valine 345 with isoleucine.
Molecular consequence: missense variant.
Genome position (GRCh38, 1-based): chr17:17,219,048, C>T on the plus strand (G>A on the coding strand, the complement: FLCN is on the minus strand). VCF-style: chr17-17219048-C-T. GRCh37 (hg19) VCF-style: chr17-17122362-C-T.
Other names: c.1087G>A, p.Val363Ile (NM_001353229.2); c.1033G>A, p.Val345Ile (NM_001353230.2, NM_001353231.2); short protein forms V345I, V363I.
Identifiers: ClinVar variation 2049672 (VCV002049672.4), dbSNP rs2144893824, ClinGen allele CA398532692.

ClinVar aggregate classification (germline): Uncertain significance (1 of 4 stars; one submission).

Conditions:
Birt-Hogg-Dube syndrome. Also called: Birt Hogg Dubé syndrome. Identifiers: Orphanet 122, MedGen C0346010, MONDO:0800444.

gnomAD v4.1: 1 of 1,613,884 alleles (0.000062%); highest among the groups gnomAD compares: Non-Finnish European, 0.000085%; no homozygotes.

Submission:

Labcorp Genetics (formerly Invitae), Labcorp
Classification: Uncertain significance for Birt-Hogg-Dube syndrome. Last evaluated: 2022-09-06. Review status: criteria provided, single submitter. Criteria: Invitae Variant Classification Sherloc (09022015). Collection method: clinical testing. Allele origin: germline.
Comment: In summary, the available evidence is currently insufficient to determine the role of this variant in disease. Therefore, it has been classified as a Variant of Uncertain Significance. Algorithms developed to predict the effect of missense changes on protein structure and function (SIFT, PolyPhen-2, Align-GVGD) all suggest that this variant is likely to be tolerated. This variant has not been reported in the literature in individuals affected with FLCN-related conditions. This variant is not present in population databases (gnomAD no frequency). This sequence change replaces valine, which is neutral and non-polar, with isoleucine, which is neutral and non-polar, at codon 345 of the FLCN protein (p.Val345Ile).